The following is an entry in ClinVar:

ClinVar aggregate classification (germline): Uncertain significance. Review status: criteria provided, multiple submitters, no conflicts (2 of 4 stars). 2 submissions from 2 submitters: Uncertain significance (2). Last evaluated 2025-02-23.

Conditions:
Dilated cardiomyopathy 3B (CMD3B). Also called: CMD3B: DMD-Related Dilated Cardiomyopathy; CARDIOMYOPATHY, DILATED, X-LINKED; DMD-Associated Dilated Cardiomyopathy. Identifiers: Orphanet 154, MedGen C3668940, MONDO:0010542, OMIM 302045.
Becker muscular dystrophy (BMD). Also called: Becker Muscular Dystrophy (BMD); MUSCULAR DYSTROPHY, PSEUDOHYPERTROPHIC PROGRESSIVE, BECKER TYPE. Identifiers: Orphanet 98895, MedGen C0917713, MONDO:0010311, OMIM 300376.
Duchenne muscular dystrophy (DMD). Also called: Duchenne Muscular Dystrophy (DMD); MUSCULAR DYSTROPHY, PSEUDOHYPERTROPHIC PROGRESSIVE, DUCHENNE TYPE. Identifiers: Orphanet 98896, MedGen C0013264, MONDO:0010679, OMIM 310200.

Allele frequency attached by ClinVar (database versions not stated): gnomAD exomes below 0.00001; TOPMed below 0.00001.
gnomAD v4.1: 3 of 1,211,426 alleles (0.00025%); highest among the groups gnomAD compares: African/African-American, 0.0017%; no homozygotes.

Submissions (2):

Labcorp Genetics (formerly Invitae), Labcorp
Classification: Uncertain significance for Duchenne muscular dystrophy. Last evaluated: 2025-02-23. Review status: criteria provided, single submitter. Criteria: Invitae Variant Classification Sherloc (09022015). Collection method: clinical testing. Allele origin: germline.
Comment: This sequence change replaces valine, which is neutral and non-polar, with methionine, which is neutral and non-polar, at codon 1493 of the DMD protein (p.Val1493Met). This variant is not present in population databases (gnomAD no frequency). This variant has not been reported in the literature in individuals affected with DMD-related conditions. ClinVar contains an entry for this variant (Variation ID: 1447296). Invitae Evidence Modeling of protein sequence and biophysical properties (such as structural, functional, and spatial information, amino acid conservation, physicochemical variation, residue mobility, and thermodynamic stability) indicates that this missense variant is not expected to disrupt DMD protein function with a negative predictive value of 95%. In summary, the available evidence is currently insufficient to determine the role of this variant in disease. Therefore, it has been classified as a Variant of Uncertain Significance.

Fulgent Genetics
Classification: Uncertain significance for Becker muscular dystrophy; Dilated cardiomyopathy 3B; Duchenne muscular dystrophy. Last evaluated: 2021-10-01. Review status: criteria provided, single submitter. Criteria: ACMG Guidelines, 2015. Collection method: clinical testing. Allele origin: unknown.

NM_004006.3(DMD):c.4477G>A (p.Val1493Met)

Gene: DMD (dystrophin; minus strand). Cytogenetic location: Xp21.1.
Variant type: single nucleotide variant.
Coding change: c.4477G>A on transcript NM_004006.3 (MANE Select); coding-DNA position 4477, G replaced by A.
Protein change: p.Val1493Met; replaces valine 1493 with methionine.
Molecular consequence: missense variant.
Genome position (GRCh38, 1-based): chrX:32,389,542, C>T on the plus strand (G>A on the coding strand, the complement: DMD is on the minus strand). VCF-style: chrX-32389542-C-T. GRCh37 (hg19) VCF-style: chrX-32407659-C-T.
Other names: c.4453G>A, p.Val1485Met (NM_000109.4); c.4465G>A, p.Val1489Met (NM_004009.3); c.4108G>A, p.Val1370Met (NM_004010.3); c.454G>A, p.Val152Met (NM_004011.4); c.445G>A, p.Val149Met (NM_004012.4); short protein forms V1370M, V1489M, V149M, V1493M, V1485M, V152M.
Identifiers: ClinVar variation 1447296 (VCV001447296.9), dbSNP rs2097986154, ClinGen allele CA412663068.